The following is an entry in ClinVar:

NM_001379200.1(TBX1):c.1294T>C (p.Tyr432His)

Gene: TBX1 (T-box transcription factor 1; plus strand). Cytogenetic location: 22q11.21.
Variant type: single nucleotide variant.
Coding change: c.1294T>C on transcript NM_001379200.1 (MANE Select); coding-DNA position 1294, T replaced by C.
Protein change: p.Tyr432His; replaces tyrosine 432 with histidine.
Molecular consequence: missense variant. On other transcripts: intron variant (2).
Genome position (GRCh38, 1-based): chr22:19,766,646, T>C. VCF-style: chr22-19766646-T-C. GRCh37 (hg19) VCF-style: chr22-19754169-T-C.
Other names: c.1267T>C, p.Tyr423His (NM_080647.1); c.1009+644T>C (NM_005992.1, NM_080646.2); short protein forms Y423H, Y432H.
Identifiers: ClinVar variation 4615064 (VCV004615064.1).

ClinVar aggregate classification (germline): Uncertain significance (1 of 4 stars; one submission).

Conditions:
Cardiovascular phenotype. Identifiers: MedGen CN230736.

gnomAD v4.1: 1 of 1,552,904 alleles (0.000064%); highest among the groups gnomAD compares: South Asian, 0.0012%; no homozygotes.

Submission:

Ambry Genetics
Classification: Uncertain significance for Cardiovascular phenotype. Last evaluated: 2025-12-01. Review status: criteria provided, single submitter. Criteria: Ambry Variant Classification Scheme 2023. Collection method: clinical testing. Allele origin: germline.
Comment: The p.Y423H variant (also known as c.1267T>C), located in coding exon 8 of the TBX1 gene, results from a T to C substitution at nucleotide position 1267. The tyrosine at codon 423 is replaced by histidine, an amino acid with similar properties. This amino acid position is conserved. In addition, the in silico prediction for this alteration is inconclusive. Based on the available evidence, the clinical significance of this variant remains unclear.